The following is an entry in ClinVar:

ClinVar aggregate classification (germline): Pathogenic/Likely pathogenic. Review status: criteria provided, multiple submitters, no conflicts (2 of 4 stars). 5 submissions from 5 submitters: Pathogenic (2); Likely pathogenic (2). 1 of the submissions does not count toward it. Last evaluated 2023-11-20.

Conditions:
Wilson disease (WND). Also called: Wilson's disease. Identifiers: Orphanet 905, MedGen C0019202, MONDO:0010200, OMIM 277900. Disease mechanism: loss of function.

Allele frequency attached by ClinVar (database versions not stated): gnomAD exomes below 0.00001.

Submissions (5):

All of Us Research Program, National Institutes of Health
Classification: Likely pathogenic for Wilson disease. Last evaluated: 2023-11-20. Review status: criteria provided, single submitter. Criteria: ACMG Guidelines, 2015. Collection method: clinical testing. Allele origin: germline. Inheritance: Autosomal recessive inheritance. Observed: 1 variant allele, 1 heterozygote.
Comment: This variant inserts 1 nucleotide in exon 21 of the ATP7B gene, creating a frameshift and premature translation stop signal in the last exon. The mutant transcript is expected to escape nonsense-mediated decay and be expressed as a truncated protein with the last 37 amino acids at the C-terminus disrupted. In addition, a truncating variant occurring downstream of this variant is known to be disease-causing (ClinVar variation ID: 1071568). To our knowledge, this variant has not been reported in individuals affected with Wilson disease in the literature. This variant has not been identified in the general population by the Genome Aggregation Database (gnomAD). Although the mechanism by which this variant causes disease is not clearly understood, the available clinical evidence indicates that this variant is associated with disease. Therefore, this variant is classified as Likely Pathogenic.

This study involves interpretation of variants in research participants for the purpose of population health screening. Participant phenotype was not available at the time of variant classification. Additional details can be found in publication PMID: 35346344, PMCID: PMC8962531

Labcorp Genetics (formerly Invitae), Labcorp
Classification: Pathogenic for Wilson disease. Last evaluated: 2023-04-22. Review status: criteria provided, single submitter. Criteria: Invitae Variant Classification Sherloc (09022015). Collection method: clinical testing. Allele origin: germline.
Comment: This variant is not present in population databases (gnomAD no frequency). This sequence change creates a premature translational stop signal (p.Ser1429Valfs*20) in the ATP7B gene. While this is not anticipated to result in nonsense mediated decay, it is expected to disrupt the last 37 amino acid(s) of the ATP7B protein. This variant has not been reported in the literature in individuals affected with ATP7B-related conditions. For these reasons, this variant has been classified as Pathogenic. This variant disrupts a region of the ATP7B protein in which other variant(s) (p.Arg1459Glyfs*2) have been determined to be pathogenic (PMID: 26799313). This suggests that this is a clinically significant region of the protein, and that variants that disrupt it are likely to be disease-causing. ClinVar contains an entry for this variant (Variation ID: 551073).

Baylor Genetics
Classification: Likely pathogenic for Wilson disease. Last evaluated: 2022-10-13. Review status: criteria provided, single submitter. Criteria: ACMG Guidelines, 2015. Collection method: clinical testing. Allele origin: unknown.

Genome-Nilou Lab
Classification: Pathogenic for Wilson disease. Last evaluated: 2021-08-10. Review status: criteria provided, single submitter. Criteria: ACMG Guidelines, 2015. Collection method: clinical testing. Allele origin: germline. Affected: no.

Counsyl
Classification: Likely pathogenic for Wilson disease. Last evaluated: 2017-03-23. Review status: no assertion criteria provided. Collection method: clinical testing. Allele origin: unknown. Not counted in ClinVar's aggregate classification.

Literature cited by the submitters: PubMed 26799313 (cited by Labcorp Genetics (formerly Invitae), Labcorp); PubMed 21454443 (cited by Counsyl).

NM_000053.4(ATP7B):c.4283dup (p.Ser1429fs)

Gene: ATP7B (ATPase copper transporting beta; minus strand). Cytogenetic location: 13q14.3.
Variant type: Duplication.
Coding change: c.4283dup on transcript NM_000053.4 (MANE Select); coding-DNA position 4283, one base duplicated (T; older notation c.4283dupT).
Protein change: p.Ser1429fs; shifts the reading frame from serine 1429.
Molecular consequence: frameshift variant.
Genome position (GRCh38, 1-based): chr13:51,934,871, A duplicated on the plus strand (T on the coding strand, the reverse complement: ATP7B is on the minus strand). VCF-style (leftmost placement, unchanged base first): chr13-51934870-C-CA. GRCh37 (hg19) VCF-style: chr13-52509006-C-CA.
Other names: c.4283dupT (NM_000053.3); c.3662dup, p.Ser1222fs (NM_001005918.3); c.3950dup, p.Ser1318fs (NM_001243182.2); c.4049dup, p.Ser1351fs (NM_001330578.2); c.4031dup, p.Ser1345fs (NM_001330579.2); short protein forms S1318fs, S1351fs, S1222fs, S1345fs, S1429fs.
Identifiers: ClinVar variation 551073 (VCV000551073.14), dbSNP rs1555282191, ClinGen allele CA658823690.